The following is an entry in ClinVar:

NM_003128.3(SPTBN1):c.3552_3555del (p.Phe1184fs)

Gene: SPTBN1 (spectrin beta, non-erythrocytic 1; plus strand). Cytogenetic location: 2p16.2.
Variant type: Deletion.
Coding change: c.3552_3555del on transcript NM_003128.3 (MANE Select); coding-DNA positions 3552 to 3555, 4 bases deleted (TCTT; older notation c.3552_3555delTCTT).
Protein change: p.Phe1184fs; shifts the reading frame from phenylalanine 1184.
Molecular consequence: frameshift variant.
Genome position (GRCh38, 1-based): chr2:54,631,599-54,631,602, TCTT deleted; deleting any 4 consecutive bases within chr2:54,631,596-54,631,602 gives the same sequence; the c. name uses the placement nearest the transcript's 3' end. VCF-style (leftmost placement, unchanged base first): chr2-54631595-CCTTT-C. GRCh37 (hg19) VCF-style: chr2-54858732-CCTTT-C.
Other names: c.3513_3516del, p.Phe1171fs (NM_178313.3); short protein forms F1171fs, F1184fs.
Identifiers: ClinVar variation 4851412 (VCV004851412.1).

ClinVar aggregate classification (germline): Likely pathogenic (1 of 4 stars; one submission).

Conditions:
Developmental delay, impaired speech, and behavioral abnormalities. Identifiers: MedGen C5561957, MONDO:0859178, OMIM 619475.

Submission:

Institute of Immunology and Genetics Kaiserslautern
Classification: Likely pathogenic for Developmental delay, impaired speech, and behavioral abnormalities. Last evaluated: 2026-02-06. Review status: criteria provided, single submitter. Criteria: ACMG Guidelines, 2015. Collection method: clinical testing. Allele origin: germline. Affected: yes.
Comment: ACMG Criteria: PM2, PVS1; Variant was found in heterozygous state.